The following is an entry in ClinVar:

ClinVar aggregate classification (germline): Uncertain significance (1 of 4 stars; one submission).

Conditions:
Developmental and epileptic encephalopathy, 12 (DEE12). Identifiers: MedGen C3150988, MONDO:0013389, OMIM 613722.

Submission:

Labcorp Genetics (formerly Invitae), Labcorp
Classification: Uncertain significance for Developmental and epileptic encephalopathy, 12. Last evaluated: 2022-09-01. Review status: criteria provided, single submitter. Criteria: Invitae Variant Classification Sherloc (09022015). Collection method: clinical testing. Allele origin: germline.
Comment: This sequence change replaces proline, which is neutral and non-polar, with leucine, which is neutral and non-polar, at codon 81 of the PLCB1 protein (p.Pro81Leu). This variant is not present in population databases (gnomAD no frequency). In summary, the available evidence is currently insufficient to determine the role of this variant in disease. Therefore, it has been classified as a Variant of Uncertain Significance. Algorithms developed to predict the effect of missense changes on protein structure and function are either unavailable or do not agree on the potential impact of this missense change (SIFT: "Deleterious"; PolyPhen-2: "Benign"; Align-GVGD: "Class C0"). ClinVar contains an entry for this variant (Variation ID: 1424807). This variant has not been reported in the literature in individuals affected with PLCB1-related conditions.

NM_015192.4(PLCB1):c.242C>T (p.Pro81Leu)

Gene: PLCB1 (phospholipase C beta 1; plus strand). Cytogenetic location: 20p12.3.
Variant type: single nucleotide variant.
Coding change: c.242C>T on transcript NM_015192.4 (MANE Select); coding-DNA position 242, C replaced by T.
Protein change: p.Pro81Leu; replaces proline 81 with leucine.
Molecular consequence: missense variant.
Genome position (GRCh38, 1-based): chr20:8,371,446, C>T. VCF-style: chr20-8371446-C-T. GRCh37 (hg19) VCF-style: chr20-8352093-C-T.
Other names: c.242C>T, p.Pro81Leu (NM_182734.3); short protein forms P81L.
Identifiers: ClinVar variation 1424807 (VCV001424807.8), dbSNP rs2122343800, ClinGen allele CA408262346.